The following is an entry in ClinVar:

NM_024642.5(GALNT12):c.193A>G (p.Met65Val)

Gene: GALNT12 (polypeptide N-acetylgalactosaminyltransferase 12; plus strand). Cytogenetic location: 9q22.33.
Variant type: single nucleotide variant.
Coding change: c.193A>G on transcript NM_024642.5 (MANE Select); coding-DNA position 193, A replaced by G.
Protein change: p.Met65Val; replaces methionine 65 with valine.
Molecular consequence: missense variant.
Genome position (GRCh38, 1-based): chr9:98,807,891, A>G. VCF-style: chr9-98807891-A-G. GRCh37 (hg19) VCF-style: chr9-101570173-A-G.
Other names: short protein forms M65V.
Identifiers: ClinVar variation 820371 (VCV000820371.15), dbSNP rs1179298414, ClinGen allele CA374222493.

ClinVar aggregate classification (germline): Conflicting classifications of pathogenicity. Review status: criteria provided, conflicting classifications (1 of 4 stars). 2 submissions from 2 submitters: Uncertain significance (1); Likely benign (1). Last evaluated 2024-04-05.

Allele frequency attached by ClinVar (database versions not stated): gnomAD 0.00001.
gnomAD v4.1: 3 of 1,133,826 alleles (0.00026%); highest among the groups gnomAD compares: East Asian, 0.013%; no homozygotes.

Submissions (2):

Ambry Genetics
Classification: Likely benign. Last evaluated: 2024-04-05. Review status: criteria provided, single submitter. Criteria: Ambry Variant Classification Scheme 2023. Collection method: clinical testing. Allele origin: germline.

Labcorp Genetics (formerly Invitae), Labcorp
Classification: Uncertain significance. Last evaluated: 2024-03-12. Review status: criteria provided, single submitter. Criteria: Invitae Variant Classification Sherloc (09022015). Collection method: clinical testing. Allele origin: germline.
Comment: This sequence change replaces methionine, which is neutral and non-polar, with valine, which is neutral and non-polar, at codon 65 of the GALNT12 protein (p.Met65Val). This variant is present in population databases (no rsID available, gnomAD 0.06%). This variant has not been reported in the literature in individuals affected with GALNT12-related conditions. ClinVar contains an entry for this variant (Variation ID: 820371). Experimental studies and prediction algorithms are not available or were not evaluated, and the functional significance of this variant is currently unknown. In summary, the available evidence is currently insufficient to determine the role of this variant in disease. Therefore, it has been classified as a Variant of Uncertain Significance.